The following is an entry in ClinVar:

ClinVar aggregate classification (germline): Uncertain significance (1 of 4 stars; one submission).

Allele frequency attached by ClinVar (database versions not stated): gnomAD exomes 0.00001.
gnomAD v4.1: 10 of 1,608,502 alleles (0.00062%); highest among the groups gnomAD compares: Non-Finnish European, 0.00076%; no homozygotes.

Submission:

Labcorp Genetics (formerly Invitae), Labcorp
Classification: Uncertain significance. Last evaluated: 2021-10-24. Review status: criteria provided, single submitter. Criteria: Invitae Variant Classification Sherloc (09022015). Collection method: clinical testing. Allele origin: germline.
Comment: Advanced modeling of protein sequence and biophysical properties (such as structural, functional, and spatial information, amino acid conservation, physicochemical variation, residue mobility, and thermodynamic stability) performed at Invitae indicates that this missense variant is not expected to disrupt MTOR protein function. In summary, the available evidence is currently insufficient to determine the role of this variant in disease. Therefore, it has been classified as a Variant of Uncertain Significance. This variant has not been reported in the literature in individuals affected with MTOR-related conditions. This sequence change replaces valine with methionine at codon 19 of the MTOR protein (p.Val19Met). The valine residue is weakly conserved and there is a small physicochemical difference between valine and methionine. This variant is not present in population databases (ExAC no frequency).

NM_004958.4(MTOR):c.55G>A (p.Val19Met)

Gene: MTOR (mechanistic target of rapamycin kinase; minus strand). Cytogenetic location: 1p36.22.
Variant type: single nucleotide variant.
Coding change: c.55G>A on transcript NM_004958.4 (MANE Select); coding-DNA position 55, G replaced by A.
Protein change: p.Val19Met; replaces valine 19 with methionine.
Molecular consequence: missense variant. On other transcripts: 5 prime UTR variant (1).
Genome position (GRCh38, 1-based): chr1:11,259,355, C>T on the plus strand (G>A on the coding strand, the complement: MTOR is on the minus strand). VCF-style: chr1-11259355-C-T. GRCh37 (hg19) VCF-style: chr1-11319412-C-T.
Other names: c.55G>A, p.Val19Met (NM_001386500.1); c.-1085G>A (NM_001386501.1); short protein forms V19M.
Identifiers: ClinVar variation 1398264 (VCV001398264.6), dbSNP rs2100986456, ClinGen allele CA338405404.